The following is an entry in ClinVar:

NM_001378452.1(ITPR1):c.4663A>T (p.Ser1555Cys)

Genes: BRRIAR (BHLHE40 and RIG-I regulating ITPR1 antisense RNA; minus strand), ITPR1 (inositol 1,4,5-trisphosphate receptor type 1; plus strand). Cytogenetic location: 3p26.1.
Variant type: single nucleotide variant.
Coding change: c.4663A>T on transcript NM_001378452.1 (MANE Select); coding-DNA position 4663, A replaced by T.
Protein change: p.Ser1555Cys; replaces serine 1555 with cysteine.
Molecular consequence: missense variant.
Genome position (GRCh38, 1-based): chr3:4,706,172, A>T. VCF-style: chr3-4706172-A-T. GRCh37 (hg19) VCF-style: chr3-4747856-A-T.
Other names: c.4636A>T, p.Ser1546Cys (NM_001099952.4); c.4618A>T, p.Ser1540Cys (NM_001168272.2); c.4591A>T, p.Ser1531Cys (NM_002222.7); short protein forms S1540C, S1555C, S1531C, S1546C.
Identifiers: ClinVar variation 932724 (VCV000932724.41), dbSNP rs1290207637, ClinGen allele CA351634752.

ClinVar aggregate classification (germline): Uncertain significance. Review status: criteria provided, multiple submitters, no conflicts (2 of 4 stars). 2 submissions from 2 submitters: Uncertain significance (2). Last evaluated 2024-03-19.

Allele frequency attached by ClinVar (database versions not stated): gnomAD exomes below 0.00001; TOPMed 0.00001.
gnomAD v4.1: 1 of 1,614,020 alleles (0.000062%); highest among the groups gnomAD compares: Non-Finnish European, 0.000085%; no homozygotes.

Submissions (2):

Labcorp Genetics (formerly Invitae), Labcorp
Classification: Uncertain significance. Last evaluated: 2024-03-19. Review status: criteria provided, single submitter. Criteria: Invitae Variant Classification Sherloc (09022015). Collection method: clinical testing. Allele origin: germline.
Comment: This sequence change replaces serine, which is neutral and polar, with cysteine, which is neutral and slightly polar, at codon 1531 of the ITPR1 protein (p.Ser1531Cys). This variant is not present in population databases (gnomAD no frequency). This variant has not been reported in the literature in individuals affected with ITPR1-related conditions. ClinVar contains an entry for this variant (Variation ID: 932724). Advanced modeling of protein sequence and biophysical properties (such as structural, functional, and spatial information, amino acid conservation, physicochemical variation, residue mobility, and thermodynamic stability) has been performed at Invitae for this missense variant, however the output from this modeling did not meet the statistical confidence thresholds required to predict the impact of this variant on ITPR1 protein function. In summary, the available evidence is currently insufficient to determine the role of this variant in disease. Therefore, it has been classified as a Variant of Uncertain Significance.

CeGaT Center for Human Genetics Tuebingen
Classification: Uncertain significance. Last evaluated: 2023-12-01. Review status: criteria provided, single submitter. Criteria: CeGaT Center For Human Genetics Tuebingen Variant Classification Criteria Version 2. Collection method: clinical testing. Allele origin: germline. Affected: yes. Observed: 2 variant alleles.
Comment: ITPR1: PM2